The following is an entry in ClinVar:

NM_031448.6(C19orf12):c.*1826G>T

Gene: C19orf12 (chromosome 19 open reading frame 12; minus strand). Cytogenetic location: 19q12.
Variant type: single nucleotide variant.
Coding change: c.*1826G>T on transcript NM_031448.6 (MANE Select); 1826 bases downstream of the stop codon, G replaced by T.
Molecular consequence: 3 prime UTR variant.
Genome position (GRCh38, 1-based): chr19:29,700,886, C>A on the plus strand (G>T on the coding strand, the complement: C19orf12 is on the minus strand). VCF-style: chr19-29700886-C-A. GRCh37 (hg19) VCF-style: chr19-30191793-C-A.
Other names: c.*1826G>T (NM_001031726.4, NM_001256047.2, NM_001282929.1 and 2 more transcripts); c.*1873G>T (NM_001256046.3).
Identifiers: ClinVar variation 328691 (VCV000328691.33), dbSNP rs192407663, ClinGen allele CA9351722.

ClinVar aggregate classification (germline): Likely benign. Review status: criteria provided, multiple submitters, no conflicts (2 of 4 stars). 2 submissions from 2 submitters: Likely benign (2). Last evaluated 2023-07-01.

Conditions:
Neurodegeneration with brain iron accumulation 4 (NBIA4). Also called: MITOCHONDRIAL PROTEIN-ASSOCIATED NEURODEGENERATION. Identifiers: Orphanet 289560, MedGen C3280371, MONDO:0013674, OMIM 614298. Disease mechanism: loss of function.

Allele frequency attached by ClinVar (database versions not stated): ExAC 0.00362; 1000 Genomes Project 0.00379; 1000 Genomes Project 30x 0.00406; TOPMed 0.00451; gnomAD 0.00452 and 0.00461.
gnomAD v4.1: 2,139 of 454,022 alleles (0.47%); highest among the groups gnomAD compares: Middle Eastern, 1.2%; 6 homozygotes.

Submissions (2):

CeGaT Center for Human Genetics Tuebingen
Classification: Likely benign. Last evaluated: 2023-07-01. Review status: criteria provided, single submitter. Criteria: CeGaT Center For Human Genetics Tuebingen Variant Classification Criteria Version 2. Collection method: clinical testing. Allele origin: germline. Affected: yes. Observed: 5 variant alleles.
Comment: C19orf12: BS2

Illumina Laboratory Services, Illumina
Classification: Likely benign for Neurodegeneration with brain iron accumulation 4. Last evaluated: 2018-01-13. Review status: criteria provided, single submitter. Criteria: ICSL Variant Classification Criteria 13 December 2019. Collection method: clinical testing. Allele origin: germline.
Comment: This variant was observed in the ICSL laboratory as part of a predisposition screen in an ostensibly healthy population. It had not been previously curated by ICSL or reported in the Human Gene Mutation Database (HGMD: prior to June 1st, 2018), and was therefore a candidate for classification through an automated scoring system. Utilizing variant allele frequency, disease prevalence and penetrance estimates, and inheritance mode, an automated score was calculated to assess if this variant is too frequent to cause the disease. Based on the score and internal cut-off values, a variant classified as likely benign is not then subjected to further curation. The score for this variant resulted in a classification of likely benign for this disease.